The following is an entry in ClinVar:

NM_032119.4(ADGRV1):c.10131A>G (p.Ala3377=)

Gene: ADGRV1 (adhesion G protein-coupled receptor V1; plus strand). Cytogenetic location: 5q14.3.
Variant type: single nucleotide variant.
Coding change: c.10131A>G on transcript NM_032119.4 (MANE Select); coding-DNA position 10131, A replaced by G.
Protein change: p.Ala3377=; no amino-acid change (alanine 3377 retained).
Molecular consequence: synonymous variant. On other transcripts: non-coding transcript variant (1).
Genome position (GRCh38, 1-based): chr5:90,725,626, A>G. VCF-style: chr5-90725626-A-G. GRCh37 (hg19) VCF-style: chr5-90021443-A-G.
Identifiers: ClinVar variation 5040100 (VCV005040100.1).

ClinVar aggregate classification (germline): Likely benign (1 of 4 stars; one submission).

gnomAD v4.1: 1 of 1,574,778 alleles (0.000064%); highest among the groups gnomAD compares: Middle Eastern, 0.017%; no homozygotes.

Submission:

CeGaT Center for Human Genetics Tuebingen
Classification: Likely benign. Last evaluated: 2026-07-01. Review status: criteria provided, single submitter. Criteria: CeGaT Center For Human Genetics Tuebingen Variant Classification Criteria Version 2. Collection method: clinical testing. Allele origin: germline. Affected: yes. Observed: 1 variant allele.
Comment: ADGRV1: BP4, BP7